The following is an entry in ClinVar:

ClinVar aggregate classification (germline): Pathogenic (1 of 4 stars; one submission).

Conditions:
Gaze palsy, familial horizontal, with progressive scoliosis 1 (HGPPS1). Identifiers: Orphanet 2744, MedGen C4551964, MONDO:0020790, OMIM 607313.

gnomAD v4.1: 1 of 1,614,028 alleles (0.000062%); highest among the groups gnomAD compares: Non-Finnish European, 0.000085%; no homozygotes.

Submission:

Women's Health and Genetics/Laboratory Corporation of America, LabCorp
Classification: Pathogenic for Gaze palsy, familial horizontal, with progressive scoliosis 1. Last evaluated: 2025-03-20. Review status: criteria provided, single submitter. Criteria: LabCorp Variant Classification Summary - May 2015. Collection method: clinical testing. Allele origin: germline.
Comment: Variant summary: ROBO3 c.799C>T (p.Gln267X) results in a premature termination codon, predicted to cause a truncation of the encoded protein or absence of the protein due to nonsense mediated decay, which are commonly known mechanisms for disease. The variant was absent in 249278 control chromosomes (gnomAD). To our knowledge, no occurrence of c.799C>T in individuals affected with Gaze Palsy, Familial Horizontal, With Progressive Scoliosis, 1 and no experimental evidence demonstrating its impact on protein function have been reported. No submitters have cited clinical-significance assessments for this variant to ClinVar. Based on the evidence outlined above, the variant was classified as pathogenic.

NM_022370.4(ROBO3):c.799C>T (p.Gln267Ter)

Gene: ROBO3 (roundabout guidance receptor 3; plus strand). Cytogenetic location: 11q24.2.
Variant type: single nucleotide variant.
Coding change: c.799C>T on transcript NM_022370.4 (MANE Select); coding-DNA position 799, C replaced by T.
Protein change: p.Gln267Ter; replaces glutamine 267 with a stop codon.
Molecular consequence: nonsense.
Genome position (GRCh38, 1-based): chr11:124,870,197, C>T. VCF-style: chr11-124870197-C-T. GRCh37 (hg19) VCF-style: chr11-124740093-C-T.
Other names: short protein forms Q267*.
Identifiers: ClinVar variation 3896072 (VCV003896072.1).